The following is an entry in ClinVar:

NM_000124.4(ERCC6):c.1397+1G>C

Genes: ERCC6 (ERCC excision repair 6, chromatin remodeling factor; minus strand), PGBD3 (piggyBac transposable element derived 3; minus strand). Cytogenetic location: 10q11.23.
Variant type: single nucleotide variant.
Coding change: c.1397+1G>C on transcript NM_000124.4 (MANE Select); the canonical splice donor site of the intron after coding-DNA position 1397, G replaced by C.
Molecular consequence: splice donor variant.
Genome position (GRCh38, 1-based): chr10:49,524,032, C>G on the plus strand (G>C on the coding strand, the complement: ERCC6 is on the minus strand). VCF-style: chr10-49524032-C-G. GRCh37 (hg19) VCF-style: chr10-50732078-C-G.
Other names: c.1397+1G>C (NM_001346440.2, NM_001277059.2, NM_001277058.2); c.-8+1G>C (NM_170753.3).
Identifiers: ClinVar variation 550708 (VCV000550708.8), dbSNP rs1554793174, ClinGen allele CA376751819.

ClinVar aggregate classification (germline): Likely pathogenic. Review status: criteria provided, multiple submitters, no conflicts (2 of 4 stars). 3 submissions from 3 submitters: Likely pathogenic (2). 1 of the submissions does not count toward it. Last evaluated 2023-03-07.

Conditions:
Inborn genetic diseases. Identifiers: MedGen C0950123, MeSH D030342.
DE SANCTIS-CACCHIONE SYNDROME. Identifiers: MedGen C0265201, MONDO:0010217, OMIM 278800.
Cerebrooculofacioskeletal syndrome 1 (COFS1). Also called: Cerebro-oculo-facio-skeletal syndrome 1. Identifiers: MedGen C0220722, MONDO:0008955, OMIM 214150.
Cockayne syndrome type 2 (CSB). Also called: COCKAYNE SYNDROME B; Cockayne Syndrome, Type II. Identifiers: Orphanet 191, Orphanet 90322, MedGen C0751038, MONDO:0019570, OMIM 133540.

Submissions (3):

Labcorp Genetics (formerly Invitae), Labcorp
Classification: Likely pathogenic. Last evaluated: 2023-03-07. Review status: criteria provided, single submitter. Criteria: Invitae Variant Classification Sherloc (09022015). Collection method: clinical testing. Allele origin: germline.
Comment: ClinVar contains an entry for this variant (Variation ID: 550708). Disruption of this splice site has been observed in individual(s) with Cockayne syndrome (PMID: 29572252). This variant is not present in population databases (gnomAD no frequency). This sequence change affects a donor splice site in intron 5 of the ERCC6 gene. It is expected to disrupt RNA splicing. Variants that disrupt the donor or acceptor splice site typically lead to a loss of protein function (PMID: 16199547), and loss-of-function variants in ERCC6 are known to be pathogenic (PMID: 18628313, 29572252). Algorithms developed to predict the effect of sequence changes on RNA splicing suggest that this variant may disrupt the consensus splice site. In summary, the currently available evidence indicates that the variant is pathogenic, but additional data are needed to prove that conclusively. Therefore, this variant has been classified as Likely Pathogenic.

Ambry Genetics
Classification: Likely pathogenic for Inborn genetic diseases. Last evaluated: 2018-12-13. Review status: criteria provided, single submitter. Criteria: Ambry exome assertion method (8-5-2015). Collection method: clinical testing. Allele origin: germline. Affected: yes. Observed: 1 variant allele.

Counsyl
Classification: Likely pathogenic for Cockayne syndrome type 2; Cerebrooculofacioskeletal syndrome 1; DE SANCTIS-CACCHIONE SYNDROME. Last evaluated: 2017-02-09. Review status: no assertion criteria provided. Collection method: clinical testing. Allele origin: unknown. Not counted in ClinVar's aggregate classification.

Literature cited by the submitters: PubMed 29572252 (cited by Labcorp Genetics (formerly Invitae), Labcorp); PubMed 16199547 (cited by Labcorp Genetics (formerly Invitae), Labcorp); PubMed 18628313 (cited by Labcorp Genetics (formerly Invitae), Labcorp); PubMed 19894250 (cited by Ambry Genetics).